The following is an entry in ClinVar:

NM_006859.4(LIAS):c.954+2dup

Gene: LIAS (lipoic acid synthetase; plus strand). Cytogenetic location: 4p14.
Variant type: Duplication.
Coding change: c.954+2dup on transcript NM_006859.4 (MANE Select); the canonical splice donor site of the intron after coding-DNA position 954, one base duplicated (T; older notation c.954+2dupT).
Molecular consequence: splice donor variant.
Genome position (GRCh38, 1-based): chr4:39,471,308, T duplicated. VCF-style (leftmost placement, unchanged base first): chr4-39471307-G-GT. GRCh37 (hg19) VCF-style: chr4-39472927-G-GT.
Other names: c.954+2dup (NM_194451.3); c.825+2dup (NM_001278590.2); c.645+2dup (NM_001363700.2).
Identifiers: ClinVar variation 1463717 (VCV001463717.1), dbSNP rs1744972353, ClinGen allele CA1061343810.

ClinVar aggregate classification (germline): Uncertain significance (1 of 4 stars; one submission).

Conditions:
Lipoic acid synthetase deficiency. Also called: HYPERGLYCINEMIA, LACTIC ACIDOSIS, AND SEIZURES. Identifiers: Orphanet 401859, MedGen C3280887, MONDO:0013762, OMIM 614462.

Allele frequency attached by ClinVar (database versions not stated): gnomAD exomes below 0.00001; gnomAD 0.00001; TOPMed 0.00002.

Submission:

Labcorp Genetics (formerly Invitae), Labcorp
Classification: Uncertain significance for Lipoic acid synthetase deficiency. Last evaluated: 2021-06-29. Review status: criteria provided, single submitter. Criteria: Invitae Variant Classification Sherloc (09022015). Collection method: clinical testing. Allele origin: germline.
Comment: This sequence change falls in intron 9 of the LIAS gene. It does not directly change the encoded amino acid sequence of the LIAS protein. It affects a nucleotide within the consensus splice site of the intron. This variant is not present in population databases (ExAC no frequency). This variant has not been reported in the literature in individuals with LIAS-related conditions. Nucleotide substitutions within the consensus splice site are a relatively common cause of aberrant splicing (PMID: 17576681, 9536098). Algorithms developed to predict the effect of sequence changes on RNA splicing suggest that this variant may disrupt the consensus splice site, but this prediction has not been confirmed by published transcriptional studies. In summary, the available evidence is currently insufficient to determine the role of this variant in disease. Therefore, it has been classified as a Variant of Uncertain Significance.

Literature cited by the submitters: PubMed 17576681; PubMed 9536098.